The following is an entry in ClinVar:

NM_000136.3(FANCC):c.315_316insCCCG (p.Gly106fs)

Gene: FANCC (FA complementation group C; minus strand). Cytogenetic location: 9q22.32.
Variant type: Insertion.
Coding change: c.315_316insCCCG on transcript NM_000136.3 (MANE Select); coding-DNA positions 315 to 316, CCCG inserted.
Protein change: p.Gly106fs; shifts the reading frame from glycine 106.
Molecular consequence: frameshift variant.
Genome position: GRCh38 VCF-style: chr9-95240678-C-CCGGG. GRCh37 (hg19) VCF-style: chr9-98002960-C-CCGGG.
Other names: c.315_316insCCCG, p.Gly106fs (NM_001243743.2, NM_001243744.2); short protein forms G106fs.
Identifiers: ClinVar variation 1724718 (VCV001724718.2), dbSNP rs2542755054, ClinGen allele CA2580080694.

ClinVar aggregate classification (germline): Likely pathogenic (1 of 4 stars; one submission).

Conditions:
Fanconi anemia complementation group C (FANCC). Also called: FANCC-Related Fanconi Anemia; Fanconi anemia, group C; FANCONI PANCYTOPENIA, TYPE 3; FACC. Identifiers: Orphanet 84, MedGen C3468041, MONDO:0009213, OMIM 227645.

Submission:

Myriad Genetics, Inc.
Classification: Likely pathogenic for Fanconi anemia complementation group C. Last evaluated: 2022-02-25. Review status: criteria provided, single submitter. Criteria: Myriad Women's Health Autosomal Recessive and X-Linked Classification Criteria (2021). Collection method: clinical testing. Allele origin: unknown.
Comment: NM_000136.2(FANCC):c.315_316insCCCG(G106Pfs*7) is expected to be pathogenic in the context of Fanconi anemia, FANCC-related. This variant is predicted to lead to an abnormal or absent protein product due to the creation of a premature termination codon in FANCC, a gene where loss-of-function variants are known to be pathogenic. Please note: this variant was assessed in the context of healthy population screening.